The following is an entry in ClinVar:

ClinVar aggregate classification (germline): Uncertain significance (1 of 4 stars; one submission).

Conditions:
Ehlers-Danlos syndrome, arthrochalasia type, 2. Also called: EHLERS-DANLOS SYNDROME, TYPE VIIB, AUTOSOMAL DOMINANT. Identifiers: MedGen CN293783, MONDO:0040501, OMIM 617821.
Combined osteogenesis imperfecta and Ehlers-Danlos syndrome 2. Also called: OIEDS SYNDROME 2. Identifiers: MedGen C5436847, MONDO:0030855, OMIM 619120.

Submission:

Clinical Genomics Laboratory, Washington University in St. Louis
Classification: Uncertain significance for Ehlers-Danlos syndrome, arthrochalasia type, 2; Combined osteogenesis imperfecta and Ehlers-Danlos syndrome 2. Last evaluated: 2026-04-10. Review status: criteria provided, single submitter. Criteria: ACMG Guidelines, 2015. Collection method: clinical testing. Allele origin: germline.
Comment: The COL1A2 c.62C>G (p.Thr21Arg) variant, to our knowledge, has not been reported in the medical literature. This variant is absent from the general population (gnomAD v2.1.1), indicating it is not a common variant. Computational predictors are uncertain as to the impact of this variant on COL1A2 function. Due to limited information, and based on ACMG/AMP guidelines for variant interpretation (Richards S et al., PMID: 25741868), the clinical significance of this variant is uncertain at this time.

NM_000089.4(COL1A2):c.62C>G (p.Thr21Arg)

Gene: COL1A2 (collagen type I alpha 2 chain; plus strand). Cytogenetic location: 7q21.3.
Variant type: single nucleotide variant.
Coding change: c.62C>G on transcript NM_000089.4 (MANE Select); coding-DNA position 62, C replaced by G.
Protein change: p.Thr21Arg; replaces threonine 21 with arginine.
Molecular consequence: missense variant.
Genome position (GRCh38, 1-based): chr7:94,395,093, C>G. VCF-style: chr7-94395093-C-G. GRCh37 (hg19) VCF-style: chr7-94024405-C-G.
Other names: short protein forms T21R.
Identifiers: ClinVar variation 4879271 (VCV004879271.1).
Genomic context (GRCh38, chr7:94,395,093, plus strand): 5'-TGCTCAGCTTTGTGGATACGCGGACTTTGTTGCTGCTTGCAGTAACCTTATGCCTAGCAA[C>G]ATGCCAATGTAAGTGCCTTCAGCTTGTTTGGGGGAGACTGGGTAGAGAGGTTAGATGGGA-3'
Protein context (NP_000080.2, residues 11-31): LLLAVTLCLA[Thr21Arg]CQSLQEETVR